The following is an entry in ClinVar:

NM_000701.8(ATP1A1):c.2761G>C (p.Ala921Pro)

Genes: ATP1A1 (ATPase Na+/K+ transporting subunit alpha 1; plus strand), ATP1A1-AS1 (ATP1A1 antisense RNA 1; minus strand). Cytogenetic location: 1p13.1.
Variant type: single nucleotide variant.
Coding change: c.2761G>C on transcript NM_000701.8 (MANE Select); coding-DNA position 2761, G replaced by C.
Protein change: p.Ala921Pro; replaces alanine 921 with proline.
Molecular consequence: missense variant.
Genome position (GRCh38, 1-based): chr1:116,401,172, G>C. VCF-style: chr1-116401172-G-C. GRCh37 (hg19) VCF-style: chr1-116943794-G-C.
Other names: c.2761G>C, p.Ala921Pro (NM_001160233.2); c.2668G>C, p.Ala890Pro (NM_001160234.2); short protein forms A890P, A921P.
Identifiers: ClinVar variation 3365438 (VCV003365438.1).

ClinVar aggregate classification (germline): Uncertain significance (1 of 4 stars; one submission).

Submission:

GeneDx
Classification: Uncertain significance. Last evaluated: 2023-12-08. Review status: criteria provided, single submitter. Criteria: GeneDx Variant Classification Process June 2021. Collection method: clinical testing. Allele origin: germline. Affected: yes.
Comment: Not observed at significant frequency in large population cohorts (gnomAD); In silico analysis supports that this missense variant has a deleterious effect on protein structure/function; Has not been previously published as pathogenic or benign to our knowledge